The following is an entry in ClinVar:

NM_017636.4(TRPM4):c.2803TTC[1] (p.Phe936del)

Gene: TRPM4 (transient receptor potential cation channel subfamily M member 4; plus strand). Cytogenetic location: 19q13.33.
Variant type: Microsatellite.
Coding change: c.2803TTC[1] on transcript NM_017636.4 (MANE Select); one copy of the 3-base unit TTC starting at c.2803; the reference has two copies in a row; one copy, 3 bases deleted.
Protein change: p.Phe936del; deletes phenylalanine 936.
Molecular consequence: inframe deletion.
Genome position (GRCh38, 1-based): chr19:49,200,638-49,200,640, TTC deleted; deleting any 3 consecutive bases within chr19:49,200,633-49,200,640 gives the same sequence; the position shown is the placement nearest the transcript's 3' end. VCF-style (leftmost placement, unchanged base first): chr19-49200632-CTCT-C. GRCh37 (hg19) VCF-style: chr19-49703889-CTCT-C.
Other names: c.2368TTC[1], p.Phe791del (NM_001195227.2); c.2458TTC[1], p.Phe821del (NM_001321281.2); c.1195TTC[1], p.Phe400del (NM_001321282.2); c.2281TTC[1], p.Phe762del (NM_001321283.2); c.1741TTC[1], p.Phe582del (NM_001321285.2); short protein forms F791del, F400del, F762del, F582del, F821del, F936del.
Identifiers: ClinVar variation 1796267 (VCV001796267.2), dbSNP rs1486769740, ClinGen allele CA883076900.

ClinVar aggregate classification (germline): Uncertain significance (1 of 4 stars; one submission).

Conditions:
Cardiovascular phenotype. Identifiers: MedGen CN230736.

Submission:

Ambry Genetics
Classification: Uncertain significance for Cardiovascular phenotype. Last evaluated: 2021-02-01. Review status: criteria provided, single submitter. Criteria: Ambry Variant Classification Scheme 2023. Collection method: clinical testing. Allele origin: germline.
Comment: The c.2806_2808delTTC variant (also known as p.F936del) is located in coding exon 19 of the TRPM4 gene. This variant results from an in-frame TTC deletion at nucleotide positions 2806 to 2808. This results in the in-frame deletion of a phenylalanine at codon 936. This amino acid position is well conserved in available vertebrate species. In addition, this alteration is predicted to be deleterious by in silico analysis (Choi Y et al. PLoS ONE. 2012; 7(10):e46688). Since supporting evidence is limited at this time, the clinical significance of this alteration remains unclear.